The following is an entry in ClinVar:

NM_001003800.2(BICD2):c.570C>A (p.Ser190Arg)

Gene: BICD2 (BICD cargo adaptor 2; minus strand). Cytogenetic location: 9q22.31.
Variant type: single nucleotide variant.
Coding change: c.570C>A on transcript NM_001003800.2 (MANE Select); coding-DNA position 570, C replaced by A.
Protein change: p.Ser190Arg; replaces serine 190 with arginine.
Molecular consequence: missense variant.
Genome position (GRCh38, 1-based): chr9:92,722,692, G>T on the plus strand (C>A on the coding strand, the complement: BICD2 is on the minus strand). VCF-style: chr9-92722692-G-T. GRCh37 (hg19) VCF-style: chr9-95484974-G-T.
Other names: c.570C>A, p.Ser190Arg (NM_015250.4); short protein forms S190R.
Identifiers: ClinVar variation 3773706 (VCV003773706.1).

ClinVar aggregate classification (germline): Likely pathogenic (1 of 4 stars; one submission).

Conditions:
Autosomal dominant childhood-onset proximal spinal muscular atrophy with contractures (SMALED2A). Also called: Spinal muscular atrophy, lower extremity-predominant, 2A, autosomal dominant; SPINAL MUSCULAR ATROPHY, LOWER EXTREMITY-PREDOMINANT, 2A, CHILDHOOD ONSET, AUTOSOMAL DOMINANT. Identifiers: Orphanet 363447, Orphanet 363454, MedGen C4747715, MONDO:0014121, OMIM 615290.

Submission:

Institute of Human Genetics, University of Leipzig Medical Center
Classification: Likely pathogenic for Autosomal dominant childhood-onset proximal spinal muscular atrophy with contractures. Last evaluated: 2025-03-04. Review status: criteria provided, single submitter. Criteria: ACMG Guidelines, 2015. Collection method: clinical testing. Allele origin: de novo. Inheritance: Autosomal dominant inheritance. Affected: yes.
Comment: Criteria applied: PS2,PM1,PM2,PP2